The following is an entry in ClinVar:

NM_000210.4(ITGA6):c.2082C>T (p.Asp694=)

Genes: ITGA6 (integrin subunit alpha 6; plus strand), PDK1-AS1 (PDK1 and ITGA6 antisense RNA 1; minus strand). Cytogenetic location: 2q31.1.
Variant type: single nucleotide variant.
Coding change: c.2082C>T on transcript NM_000210.4 (MANE Select); coding-DNA position 2082, C replaced by T.
Protein change: p.Asp694=; no amino-acid change (aspartic acid 694 retained).
Molecular consequence: synonymous variant.
Genome position (GRCh38, 1-based): chr2:172,487,375, C>T. VCF-style: chr2-172487375-C-T. GRCh37 (hg19) VCF-style: chr2-173352103-C-T.
Other names: c.2082C>T, p.Asp694= (NM_001079818.3, NM_001365529.2, NM_001365530.2); c.1725C>T, p.Asp575= (NM_001316306.2).
Identifiers: ClinVar variation 332369 (VCV000332369.18), dbSNP rs2293649, ClinGen allele CA1968290.

ClinVar aggregate classification (germline): Benign. Review status: criteria provided, multiple submitters, no conflicts (2 of 4 stars). 5 submissions from 5 submitters: Benign (5). Last evaluated 2026-02-04.

Conditions:
Junctional epidermolysis bullosa with pyloric atresia. Also called: ITGB4-Related Epidermolysis Bullosa with Pyloric Atresia; ITGA6-Related Epidermolysis Bullosa with Pyloric Atresia; EPIDERMOLYSIS BULLOSA, JUNCTIONAL 5B, WITH PYLORIC ATRESIA; APLASIA CUTIS CONGENITA WITH GASTROINTESTINAL ATRESIA; CARMI SYNDROME; EB-PA-ACC. Identifiers: Orphanet 79403, MedGen C5676875, MONDO:0009183, OMIM 226730.

Allele frequency attached by ClinVar (database versions not stated): ESP Exome Variant Server 0.21282; gnomAD 0.24360 and 0.25327; TOPMed 0.25175; ExAC 0.29737; gnomAD exomes 0.30554; 1000 Genomes Project 30x 0.33776; 1000 Genomes Project 0.34665.
gnomAD v4.1: 394,848 of 1,612,818 alleles (24%); highest among the groups gnomAD compares: East Asian, 57%; 54,474 homozygotes.

Submissions (5):

Labcorp Genetics (formerly Invitae), Labcorp
Classification: Benign. Last evaluated: 2026-02-04. Review status: criteria provided, single submitter. Criteria: Invitae Variant Classification Sherloc (09022015). Collection method: clinical testing. Allele origin: germline.

Genome-Nilou Lab
Classification: Benign for Junctional epidermolysis bullosa with pyloric atresia. Last evaluated: 2021-08-19. Review status: criteria provided, single submitter. Criteria: ACMG Guidelines, 2015. Collection method: clinical testing. Allele origin: germline. Affected: no.

Illumina Laboratory Services, Illumina
Classification: Benign for Junctional epidermolysis bullosa with pyloric atresia. Last evaluated: 2018-01-13. Review status: criteria provided, single submitter. Criteria: ICSL Variant Classification Criteria 13 December 2019. Collection method: clinical testing. Allele origin: germline.
Comment: This variant was observed in the ICSL laboratory as part of a predisposition screen in an ostensibly healthy population. It had not been previously curated by ICSL or reported in the Human Gene Mutation Database (HGMD: prior to June 1st, 2018), and was therefore a candidate for classification through an automated scoring system. Utilizing variant allele frequency, disease prevalence and penetrance estimates, and inheritance mode, an automated score was calculated to assess if this variant is too frequent to cause the disease. Based on the score and internal cut-off values, a variant classified as benign is not then subjected to further curation. The score for this variant resulted in a classification of benign for this disease.

GeneDx
Classification: Benign. Last evaluated: 2015-03-03. Review status: criteria provided, single submitter. Criteria: GeneDx Variant Classification Process June 2021. Collection method: clinical testing. Allele origin: germline. Affected: yes.

Breakthrough Genomics
Classification: Benign. Review status: criteria provided, single submitter. Criteria: ACMG Guidelines, 2015. Collection method: not provided. Allele origin: germline. Inheritance: Autosomal recessive inheritance. Affected: yes.